The following is an entry in ClinVar:

ClinVar aggregate classification (germline): Uncertain significance. Review status: criteria provided, multiple submitters, no conflicts (2 of 4 stars). 3 submissions from 3 submitters: Uncertain significance (3). Last evaluated 2026-01-19.

Conditions:
Cardiovascular phenotype. Identifiers: MedGen CN230736.
ZNF469-related disorder. Also called: ZNF469-related condition.

Allele frequency attached by ClinVar (database versions not stated): gnomAD exomes 0.00001; TOPMed 0.00002.
gnomAD v4.1: 8 of 1,550,200 alleles (0.00052%); highest among the groups gnomAD compares: Middle Eastern, 0.033%; no homozygotes.

Submissions (3):

Labcorp Genetics (formerly Invitae), Labcorp
Classification: Uncertain significance. Last evaluated: 2026-01-19. Review status: criteria provided, single submitter. Criteria: Invitae Variant Classification Sherloc (09022015). Collection method: clinical testing. Allele origin: germline.
Comment: This sequence change replaces glycine, which is neutral and non-polar, with aspartic acid, which is acidic and polar, at codon 3885 of the ZNF469 protein (p.Gly3885Asp). This variant is present in population databases (no rsID available, gnomAD 0.008%). This variant has not been reported in the literature in individuals affected with ZNF469-related conditions. ClinVar contains an entry for this variant (Variation ID: 1948986). An algorithm developed to predict the effect of missense changes on protein structure and function (PolyPhen-2) suggests that this variant is likely to be disruptive. In summary, the available evidence is currently insufficient to determine the role of this variant in disease. Therefore, it has been classified as a Variant of Uncertain Significance.

PreventionGenetics, part of Exact Sciences
Classification: Uncertain significance for ZNF469-related condition. Last evaluated: 2025-08-19. Review status: criteria provided, single submitter. Criteria: ACMG Guidelines, 2015. Collection method: clinical testing. Allele origin: germline.
Comment: The ZNF469 c.11654G>A variant is predicted to result in the amino acid substitution p.Gly3885Asp. To our knowledge, this variant has not been reported in the literature. This variant is reported in 0.0081% of alleles in individuals of Latino descent in gnomAD. At this time, the clinical significance of this variant is uncertain due to the absence of conclusive functional and genetic evidence.

Ambry Genetics
Classification: Uncertain significance for Cardiovascular phenotype. Last evaluated: 2024-07-17. Review status: criteria provided, single submitter. Criteria: Ambry Variant Classification Scheme 2023. Collection method: clinical testing. Allele origin: germline.

NM_001367624.2(ZNF469):c.11738G>A (p.Gly3913Asp)

Gene: ZNF469 (zinc finger protein 469; plus strand). Cytogenetic location: 16q24.2.
Variant type: single nucleotide variant.
Coding change: c.11738G>A on transcript NM_001367624.2 (MANE Select); coding-DNA position 11738, G replaced by A.
Protein change: p.Gly3913Asp; replaces glycine 3913 with aspartic acid.
Molecular consequence: missense variant.
Genome position (GRCh38, 1-based): chr16:88,439,208, G>A. VCF-style: chr16-88439208-G-A. GRCh37 (hg19) VCF-style: chr16-88505616-G-A.
Other names: NM_001127464.1:c.11654G>A; NM_001127464.2:c.11654G>A; short protein forms G3913D.
Identifiers: ClinVar variation 1948986 (VCV001948986.5), dbSNP rs1161753051, ClinGen allele CA397131129.
Genomic context (GRCh38, chr16:88,439,208, plus strand): 5'-AGGCCTTCCCCCAGGGGAGACCCCTGCTCAGGCCCCCCAAGAGGGGCACAGCTGTCCACG[G>A]TGCTGAACCTGCCGAGCCACACACCCACCGGACGGCCGAGGCCCAGAGTGACCTCCTCAG-3'
Protein context (NP_001354553.1, residues 3903-3923): RPPKRGTAVH[Gly3913Asp]AEPAEPHTHR